The following is an entry in ClinVar:

ClinVar aggregate classification (germline): Conflicting classifications of pathogenicity. Review status: criteria provided, conflicting classifications (1 of 4 stars). 7 submissions from 6 submitters: Uncertain significance (1); Benign (6). Last evaluated 2026-01-06.

Conditions:
Autosomal recessive nonsyndromic hearing loss 21. Identifiers: Orphanet 90636, MedGen C1863655, MONDO:0011351, OMIM 603629.
Autosomal dominant nonsyndromic hearing loss 12. Also called: DEAFNESS, AUTOSOMAL DOMINANT 8. Identifiers: Orphanet 90635, MedGen C1832187, MONDO:0011102, OMIM 601543.

Allele frequency attached by ClinVar (database versions not stated): gnomAD exomes 0.00076 and 0.00208; ExAC 0.00252; gnomAD 0.00766 and 0.00811; TOPMed 0.00878; ESP Exome Variant Server 0.00900; 1000 Genomes Project 0.00998; 1000 Genomes Project 30x 0.01062.
gnomAD v4.1: 2,319 of 1,613,560 alleles (0.14%); highest among the groups gnomAD compares: African/African-American, 2.5%; 32 homozygotes.

Submissions (7):

Labcorp Genetics (formerly Invitae), Labcorp
Classification: Benign. Last evaluated: 2026-01-06. Review status: criteria provided, single submitter. Criteria: Invitae Variant Classification Sherloc (09022015). Collection method: clinical testing. Allele origin: germline.

ARUP Laboratories, Molecular Genetics and Genomics, ARUP Laboratories
Classification: Benign. Last evaluated: 2022-07-15. Review status: criteria provided, single submitter. Criteria: ARUP Molecular Germline Variant Investigation Process 2021. Collection method: clinical testing. Allele origin: germline.

GeneDx
Classification: Benign. Last evaluated: 2019-01-08. Review status: criteria provided, single submitter. Criteria: GeneDx Variant Classification Process June 2021. Collection method: clinical testing. Allele origin: germline. Affected: yes.

Athena Diagnostics
Classification: Benign. Last evaluated: 2018-08-31. Review status: criteria provided, single submitter. Criteria: Athena Diagnostics Criteria. Collection method: clinical testing. Allele origin: germline.

Illumina Laboratory Services, Illumina
Classification: Uncertain significance for Autosomal recessive nonsyndromic hearing loss 21. Last evaluated: 2018-01-12. Review status: criteria provided, single submitter. Criteria: ICSL Variant Classification Criteria 13 December 2019. Collection method: clinical testing. Allele origin: germline.

Illumina Laboratory Services, Illumina
Classification: Benign for Autosomal dominant nonsyndromic hearing loss 12. Last evaluated: 2018-01-12. Review status: criteria provided, single submitter. Criteria: ICSL Variant Classification Criteria 13 December 2019. Collection method: clinical testing. Allele origin: germline.
Comment: This variant was observed in the ICSL laboratory as part of a predisposition screen in an ostensibly healthy population. It had not been previously curated by ICSL or reported in the Human Gene Mutation Database (HGMD: prior to June 1st, 2018), and was therefore a candidate for classification through an automated scoring system. Utilizing variant allele frequency, disease prevalence and penetrance estimates, and inheritance mode, an automated score was calculated to assess if this variant is too frequent to cause the disease. Based on the score and internal cut-off values, a variant classified as benign is not then subjected to further curation. The score for this variant resulted in a classification of benign for this disease.

Laboratory for Molecular Medicine, Mass General Brigham Personalized Medicine
Classification: Benign. Last evaluated: 2012-04-30. Review status: criteria provided, single submitter. Criteria: LMM Criteria. Collection method: clinical testing. Allele origin: germline. Observed: 10 variant alleles.
Comment: 6250+4T>C in Intron 21 of TECTA: This variant is not expected to have clinical s ignificance because it has been identified in 2.7% (101/3738) of African America n chromosomes from a broad population by the NHLBI Exome Sequencing Project (dbSNP rs143302176).

NM_005422.4(TECTA):c.6250+4T>C

Genes: TBCEL-TECTA (TBCEL-TECTA readthrough; plus strand), TECTA (tectorin alpha; plus strand). Cytogenetic location: 11q23.3.
Variant type: single nucleotide variant.
Coding change: c.6250+4T>C on transcript NM_005422.4 (MANE Select); 4 bases into the intron after coding-DNA position 6250, T replaced by C.
Molecular consequence: intron variant.
Genome position (GRCh38, 1-based): chr11:121,189,171, T>C. VCF-style: chr11-121189171-T-C. GRCh37 (hg19) VCF-style: chr11-121059880-T-C.
Other names: c.7192+4T>C (NM_001378761.1).
Identifiers: ClinVar variation 45342 (VCV000045342.21), dbSNP rs143302176, ClinGen allele CA136072.
Genomic context (GRCh38, chr11:121,189,171, plus strand): 5'-ATTACACAAAAGAGCCCAAAGAACAGATCATTTCAGTGGGACCTATTAGGAGAAAAAGTA[T>C]GTATGTTCCCTAAAACACACCCTAAATTATTAAAACAACGGGATTTCAAGGCTCAGATGT-3'